The following is an entry in ClinVar:

NM_003873.7(NRP1):c.1461A>G (p.Ile487Met)

Gene: NRP1 (neuropilin 1; minus strand). Cytogenetic location: 10p11.22.
Variant type: single nucleotide variant.
Coding change: c.1461A>G on transcript NM_003873.7 (MANE Select); coding-DNA position 1461, A replaced by G.
Protein change: p.Ile487Met; replaces isoleucine 487 with methionine.
Molecular consequence: missense variant. On other transcripts: non-coding transcript variant (1).
Genome position (GRCh38, 1-based): chr10:33,213,539, T>C on the plus strand (A>G on the coding strand, the complement: NRP1 is on the minus strand). VCF-style: chr10-33213539-T-C. GRCh37 (hg19) VCF-style: chr10-33502467-T-C.
Other names: c.1461A>G, p.Ile487Met (NM_001024628.3, NM_001024629.3, NM_001244972.2 and 2 more transcripts); short protein forms I487M.
Identifiers: ClinVar variation 3355382 (VCV003355382.1).
Genomic context (GRCh38, chr10:33,213,539, plus strand): 5'-CTCTCGGTGCTTCCCACCCTGAATGATGATGCCCCTCACGATCTTCTCCTCCCCCAGGTC[T>C]ATTTGGAGCCACTCATTGATGTAGGAATGAGGTGCGGGTGGAAGTGCCCAGCCAGAGCGA-3'
Protein context (NP_003864.5, residues 477-497): PHSYINEWLQ[Ile487Met]DLGEEKIVRG

ClinVar aggregate classification (germline): Uncertain significance (0 of 4 stars; one submission).

Conditions:
NRP1-related disorder. Also called: NRP1-related condition.

gnomAD v4.1: 12 of 1,613,940 alleles (0.00074%); highest among the groups gnomAD compares: African/African-American, 0.016%; no homozygotes.

Submission:

PreventionGenetics, part of Exact Sciences
Classification: Uncertain significance for NRP1-related condition. Last evaluated: 2024-07-01. Review status: no assertion criteria provided. Collection method: clinical testing. Allele origin: germline.
Comment: The NRP1 c.1461A>G variant is predicted to result in the amino acid substitution p.Ile487Met. To our knowledge, this variant has not been reported in the literature. This variant is reported in 0.020% of alleles in individuals of African descent in gnomAD. At this time, the clinical significance of this variant is uncertain due to the absence of conclusive functional and genetic evidence.